The following is an entry in ClinVar:

NM_004991.4(MECOM):c.2074C>G (p.Pro692Ala)

Gene: MECOM (MDS1 and EVI1 complex locus; minus strand). Cytogenetic location: 3q26.2.
Variant type: single nucleotide variant.
Coding change: c.2074C>G on transcript NM_004991.4 (MANE Select); coding-DNA position 2074, C replaced by G.
Protein change: p.Pro692Ala; replaces proline 692 with alanine.
Molecular consequence: missense variant. On other transcripts: intron variant (2).
Genome position (GRCh38, 1-based): chr3:169,115,798, G>C on the plus strand (C>G on the coding strand, the complement: MECOM is on the minus strand). VCF-style: chr3-169115798-G-C. GRCh37 (hg19) VCF-style: chr3-168833586-G-C.
Other names: c.1705C>G, p.Pro569Ala (NM_001105077.4); c.1510C>G, p.Pro504Ala (NM_001105078.4, NM_001164000.2, NM_001205194.2 and 4 more transcripts); c.1513C>G, p.Pro505Ala (NM_001163999.2, NM_001366467.2, NM_001366468.2 and 1 more transcripts); c.2074C>G, p.Pro692Ala (NM_001366466.2); c.1133-31C>G (NM_001366473.2); c.569-31C>G (NM_001366474.2); short protein forms P505A, P569A, P692A, P504A.
Identifiers: ClinVar variation 2694981 (VCV002694981.3), dbSNP rs2549406229, ClinGen allele CA355086251.

ClinVar aggregate classification (germline): Uncertain significance (1 of 4 stars; one submission).

Submission:

Labcorp Genetics (formerly Invitae), Labcorp
Classification: Uncertain significance. Last evaluated: 2023-11-10. Review status: criteria provided, single submitter. Criteria: Invitae Variant Classification Sherloc (09022015). Collection method: clinical testing. Allele origin: germline.
Comment: This sequence change replaces proline, which is neutral and non-polar, with alanine, which is neutral and non-polar, at codon 504 of the MECOM protein (p.Pro504Ala). This variant is not present in population databases (gnomAD no frequency). This variant has not been reported in the literature in individuals affected with MECOM-related conditions. An algorithm developed to predict the effect of missense changes on protein structure and function (PolyPhen-2) suggests that this variant is likely to be disruptive. In summary, the available evidence is currently insufficient to determine the role of this variant in disease. Therefore, it has been classified as a Variant of Uncertain Significance.